The following is an entry in ClinVar:

ClinVar aggregate classification (germline): Pathogenic/Likely pathogenic. Review status: criteria provided, multiple submitters, no conflicts (2 of 4 stars). 2 submissions from 2 submitters: Pathogenic (1); Likely pathogenic (1). Last evaluated 2024-03-26.

Conditions:
Cohen syndrome (COH1). Also called: PEPPER SYNDROME; Cutis verticis gyrata, retinitis pigmentosa, and sensorineural deafness. Identifiers: Orphanet 193, MedGen C0265223, MONDO:0008999, OMIM 216550.
VPS13B-related disorder. Also called: VPS13B-related condition.

Allele frequency attached by ClinVar (database versions not stated): TOPMed below 0.00001; gnomAD 0.00001.
gnomAD v4.1: 1 of 1,614,114 alleles (0.000062%); highest among the groups gnomAD compares: African/African-American, 0.0013%; no homozygotes.

Submissions (2):

Blueprint Genetics
Classification: Likely pathogenic for VPS13B-related disorders. Last evaluated: 2024-03-26. Review status: criteria provided, single submitter. Criteria: ACMG Guidelines, 2015. Collection method: clinical testing. Allele origin: germline. Affected: yes. Observed: 1 variant allele.

Labcorp Genetics (formerly Invitae), Labcorp
Classification: Pathogenic for Cohen syndrome. Last evaluated: 2023-05-27. Review status: criteria provided, single submitter. Criteria: Invitae Variant Classification Sherloc (09022015). Collection method: clinical testing. Allele origin: germline.
Comment: For these reasons, this variant has been classified as Pathogenic. This variant has not been reported in the literature in individuals affected with VPS13B-related conditions. This variant is not present in population databases (gnomAD no frequency). This sequence change creates a premature translational stop signal (p.Glu3893*) in the VPS13B gene. It is expected to result in an absent or disrupted protein product. Loss-of-function variants in VPS13B are known to be pathogenic (PMID: 15141358, 16648375, 20461111).

Literature cited by the submitters: PubMed 15141358 (cited by Labcorp Genetics (formerly Invitae), Labcorp); PubMed 16648375 (cited by Labcorp Genetics (formerly Invitae), Labcorp); PubMed 20461111 (cited by Labcorp Genetics (formerly Invitae), Labcorp).

NM_152564.5(VPS13B):c.11602G>T (p.Glu3868Ter)

Gene: VPS13B (vacuolar protein sorting 13 homolog B; plus strand). Cytogenetic location: 8q22.2.
Variant type: single nucleotide variant.
Coding change: c.11602G>T on transcript NM_152564.5 (MANE Select); coding-DNA position 11602, G replaced by T.
Protein change: p.Glu3868Ter; replaces glutamic acid 3868 with a stop codon.
Molecular consequence: nonsense.
Genome position (GRCh38, 1-based): chr8:99,871,554, G>T. VCF-style: chr8-99871554-G-T. GRCh37 (hg19) VCF-style: chr8-100883782-G-T.
Other names: c.11677G>T, p.Glu3893Ter (NM_017890.5); short protein forms E3893*, E3868*.
Identifiers: ClinVar variation 2738173 (VCV002738173.4), dbSNP rs1817415840, ClinGen allele CA371794411.